The following is an entry in ClinVar:

ClinVar aggregate classification (germline): Pathogenic. Review status: criteria provided, multiple submitters, no conflicts (2 of 4 stars). 2 submissions from 2 submitters: Pathogenic (2). Last evaluated 2025-02-20.

Conditions:
Peroxisome biogenesis disorder 3A (Zellweger). Also called: Peroxisome biogenesis disorder 3A; PEROXISOMAL BIOGENESIS DISORDER 3A (ZELLWEGER). Identifiers: Orphanet 912, MedGen C3553929, MONDO:0013927, OMIM 614859.
Peroxisome biogenesis disorder. Identifiers: Orphanet 79189, MedGen C1832200, MONDO:0019234. Disease mechanism: loss of function.

Submissions (2):

Myriad Genetics, Inc.
Classification: Pathogenic for Peroxisome biogenesis disorder. Last evaluated: 2025-02-20. Review status: criteria provided, single submitter. Criteria: Myriad Autosomal Dominant, Autosomal Recessive and X-Linked Classification Criteria (2023). Collection method: clinical testing. Allele origin: unknown.
Comment: NM_000286.2(PEX12):c.875_876delCT(S292*) is a frameshift variant classified as pathogenic in the context of peroxisome biogenesis disorder type 3. S292* has been observed in cases with relevant disease (PMID: 9632816, 17041890). Relevant functional assessments of this variant are not available in the literature. S292* has not been observed in referenced population frequency databases. In summary, NM_000286.2(PEX12):c.875_876delCT(S292*) is a frameshift variant in a gene where loss of function is a known mechanism of disease, is predicted to disrupt protein function, and has been observed more frequently in cases with the relevant disease than in healthy populations. Please note: this variant was assessed in the context of healthy population screening.

Labcorp Genetics (formerly Invitae), Labcorp
Classification: Pathogenic for Peroxisome biogenesis disorder 3A (Zellweger). Last evaluated: 2022-06-26. Review status: criteria provided, single submitter. Criteria: Invitae Variant Classification Sherloc (09022015). Collection method: clinical testing. Allele origin: germline.
Comment: This variant disrupts a region of the PEX12 protein in which other variant(s) (p.Gln349del) have been determined to be pathogenic (PMID: 15542397, 21031596, 33123925; Invitae). This suggests that this is a clinically significant region of the protein, and that variants that disrupt it are likely to be disease-causing. For these reasons, this variant has been classified as Pathogenic. This premature translational stop signal has been observed in individuals with Zellweger syndrome (PMID: 9632816, 17041890). This variant is not present in population databases (gnomAD no frequency). This sequence change creates a premature translational stop signal (p.Ser292*) in the PEX12 gene. While this is not anticipated to result in nonsense mediated decay, it is expected to disrupt the last 68 amino acid(s) of the PEX12 protein.

Literature cited by the submitters: PubMed 17041890 (cited by Myriad Genetics, Inc. and Labcorp Genetics (formerly Invitae), Labcorp); PubMed 9632816 (cited by Myriad Genetics, Inc. and Labcorp Genetics (formerly Invitae), Labcorp); PubMed 15542397 (cited by Labcorp Genetics (formerly Invitae), Labcorp); PubMed 21031596 (cited by Labcorp Genetics (formerly Invitae), Labcorp); PubMed 33123925 (cited by Labcorp Genetics (formerly Invitae), Labcorp).

NM_000286.3(PEX12):c.875_876del (p.Asn291_Ser292insTer)

Gene: PEX12 (peroxisomal biogenesis factor 12; minus strand). Cytogenetic location: 17q12.
Variant type: Microsatellite.
Coding change: c.875_876del on transcript NM_000286.3 (MANE Select); coding-DNA positions 875 to 876, 2 bases deleted (CT; older notation c.875_876delCT).
Protein change: p.Asn291_Ser292insTer.
Molecular consequence: nonsense.
Genome position (GRCh38, 1-based): chr17:35,575,986-35,575,987, AG deleted on the plus strand (CT on the coding strand, the reverse complement: PEX12 is on the minus strand); deleting any 2 consecutive bases within chr17:35,575,986-35,575,989 gives the same sequence; the c. name uses the placement nearest the transcript's 3' end. VCF-style (leftmost placement, unchanged base first): chr17-35575985-CAG-C. GRCh37 (hg19) VCF-style: chr17-33903004-CAG-C.
Identifiers: ClinVar variation 2138008 (VCV002138008.5), dbSNP rs61752109, ClinGen allele CA290068242.